The following is an entry in ClinVar:

NM_181426.2(CCDC39):c.581A>G (p.Asn194Ser)

Gene: CCDC39 (coiled-coil domain 39 molecular ruler complex subunit; minus strand). Cytogenetic location: 3q26.33.
Variant type: single nucleotide variant.
Coding change: c.581A>G on transcript NM_181426.2 (MANE Select); coding-DNA position 581, A replaced by G.
Protein change: p.Asn194Ser; replaces asparagine 194 with serine.
Molecular consequence: missense variant.
Genome position (GRCh38, 1-based): chr3:180,659,705, T>C on the plus strand (A>G on the coding strand, the complement: CCDC39 is on the minus strand). VCF-style: chr3-180659705-T-C. GRCh37 (hg19) VCF-style: chr3-180377493-T-C.
Other names: short protein forms N194S.
Identifiers: ClinVar variation 2451494 (VCV002451494.2), dbSNP rs372208254, ClinGen allele CA88636207.

ClinVar aggregate classification (germline): Uncertain significance (1 of 4 stars; one submission).

Conditions:
Primary ciliary dyskinesia. Also called: Ciliary dyskinesia. Identifiers: Orphanet 244, MedGen C0008780, MONDO:0016575, HP:0012265.

Allele frequency attached by ClinVar (database versions not stated): gnomAD 0.00001; gnomAD exomes 0.00001; TOPMed 0.00002; ESP Exome Variant Server 0.00008.
gnomAD v4.1: 17 of 1,612,204 alleles (0.0011%); highest among the groups gnomAD compares: Non-Finnish European, 0.0014%; no homozygotes.

Submission:

Ambry Genetics
Classification: Uncertain significance for Primary ciliary dyskinesia. Last evaluated: 2022-12-19. Review status: criteria provided, single submitter. Criteria: Ambry Variant Classification Scheme 2023. Collection method: clinical testing. Allele origin: germline.
Comment: The p.N194S variant (also known as c.581A>G), located in coding exon 5 of the CCDC39 gene, results from an A to G substitution at nucleotide position 581. The asparagine at codon 194 is replaced by serine, an amino acid with highly similar properties. This amino acid position is conserved. In addition, this alteration is predicted to be tolerated by in silico analysis. Since supporting evidence is limited at this time, the clinical significance of this alteration remains unclear.